The following is an entry in ClinVar:

ClinVar aggregate classification (germline): Benign (1 of 4 stars; one submission).

Submission:

GeneDx
Classification: Benign. Last evaluated: 2018-06-18. Review status: criteria provided, single submitter. Criteria: GeneDx Variant Classification (06012015). Collection method: clinical testing. Allele origin: germline. Affected: yes.
Comment: This variant is considered likely benign or benign based on one or more of the following criteria: it is a conservative change, it occurs at a poorly conserved position in the protein, it is predicted to be benign by multiple in silico algorithms, and/or has population frequency not consistent with disease.

NM_003859.3(DPM1):c.262-156del

Gene: DPM1 (dolichyl-phosphate mannosyltransferase subunit 1, catalytic; minus strand). Cytogenetic location: 20q13.13.
Variant type: Deletion.
Coding change: c.262-156del on transcript NM_003859.3 (MANE Select); 156 bases into the intron before coding-DNA position 262, one base deleted (T; older notation c.262-156delT).
Molecular consequence: intron variant.
Genome position (GRCh38, 1-based): chr20:50,948,818, A deleted on the plus strand (T on the coding strand, the reverse complement: DPM1 is on the minus strand); the first of 10 consecutive A bases (chr20:50,948,818-50,948,827); deleting any one gives the same sequence. VCF-style (leftmost placement, unchanged base first): chr20-50948817-GA-G. GRCh37 (hg19) VCF-style: chr20-49565354-GA-G.
Other names: c.262-156del (NM_001317036.1, NM_001317035.1, NM_001317034.1).
Identifiers: ClinVar variation 679335 (VCV000679335.1), dbSNP rs76899294, ClinGen allele CA315256371.
Genomic context (GRCh38, chr20:50,948,817, plus strand): 5'-AAATATAGTTGCACTTGTTAGAACTTAAAGCAAAGTATCCTTAATATTTTTTTGCCAAAA[GA>G]AAAAAAAAAGCATTTGGTAACAAACCAAATAGTTTAACGTAGCTAACATTTTTTTTTTTT-3'